The following is an entry in ClinVar:

ClinVar aggregate classification (germline): Uncertain significance (1 of 4 stars; one submission).

Submission:

Women's Health and Genetics/Laboratory Corporation of America, LabCorp
Classification: Uncertain significance. Last evaluated: 2025-04-30. Review status: criteria provided, single submitter. Criteria: LabCorp Variant Classification Summary - May 2015. Collection method: clinical testing. Allele origin: germline.
Comment: Variant summary: MAP1B c.2637G>T (p.Gln879His) results in a non-conservative amino acid change in the encoded protein sequence. Three of five in-silico tools predict a benign effect of the variant on protein function. The variant was absent in 251184 control chromosomes. The available data on variant occurrences in the general population are insufficient to allow any conclusion about variant significance. To our knowledge, no occurrence of c.2637G>T in individuals affected with Periventricular Nodular Heterotopia 9 and no experimental evidence demonstrating its impact on protein function have been reported. No submitters have cited clinical-significance assessments for this variant to ClinVar. Based on the evidence outlined above, the variant was classified as uncertain significance.

NM_005909.5(MAP1B):c.2637G>T (p.Gln879His)

Gene: MAP1B (microtubule associated protein 1B; plus strand). Cytogenetic location: 5q13.2.
Variant type: single nucleotide variant.
Coding change: c.2637G>T on transcript NM_005909.5 (MANE Select); coding-DNA position 2637, G replaced by T.
Protein change: p.Gln879His; replaces glutamine 879 with histidine.
Molecular consequence: missense variant.
Genome position (GRCh38, 1-based): chr5:72,195,992, G>T. VCF-style: chr5-72195992-G-T. GRCh37 (hg19) VCF-style: chr5-71491819-G-T.
Other names: c.2259G>T, p.Gln753His (NM_001324255.2); short protein forms Q753H, Q879H.
Identifiers: ClinVar variation 3896617 (VCV003896617.2).